The following is an entry in ClinVar:

NM_014053.4(FLVCR1):c.883+6T>C

Gene: FLVCR1 (FLVCR choline and heme transporter 1; plus strand). Cytogenetic location: 1q32.3.
Variant type: single nucleotide variant.
Coding change: c.883+6T>C on transcript NM_014053.4 (MANE Select); 6 bases into the intron after coding-DNA position 883, T replaced by C.
Molecular consequence: intron variant.
Genome position (GRCh38, 1-based): chr1:212,863,875, T>C. VCF-style: chr1-212863875-T-C. GRCh37 (hg19) VCF-style: chr1-213037217-T-C.
Identifiers: ClinVar variation 1403220 (VCV001403220.6), dbSNP rs1262479685, ClinGen allele CA731085752.

ClinVar aggregate classification (germline): Uncertain significance (1 of 4 stars; one submission).

Allele frequency attached by ClinVar (database versions not stated): gnomAD exomes below 0.00001; TOPMed below 0.00001; gnomAD 0.00001.
gnomAD v4.1: 2 of 1,610,328 alleles (0.00012%); highest among the groups gnomAD compares: East Asian, 0.0045%; no homozygotes.

Submission:

Labcorp Genetics (formerly Invitae), Labcorp
Classification: Uncertain significance. Last evaluated: 2024-01-24. Review status: criteria provided, single submitter. Criteria: Invitae Variant Classification Sherloc (09022015). Collection method: clinical testing. Allele origin: germline.
Comment: This sequence change falls in intron 2 of the FLVCR1 gene. It does not directly change the encoded amino acid sequence of the FLVCR1 protein. RNA analysis indicates that this variant induces altered splicing and may result in an absent or disrupted protein product. This variant is not present in population databases (gnomAD no frequency). This variant has been observed in individual(s) with retinitis pigmentosa (PMID: 25611614). ClinVar contains an entry for this variant (Variation ID: 1403220). Variants that disrupt the consensus splice site are a relatively common cause of aberrant splicing (PMID: 17576681, 9536098). Studies have shown that this variant results in insertion of 127 bp of intron 2 and introduces a premature termination codon (PMID: 25611614). The resulting mRNA is expected to undergo nonsense-mediated decay. In summary, the available evidence is currently insufficient to determine the role of this variant in disease. Therefore, it has been classified as a Variant of Uncertain Significance.

Literature cited by the submitters: PubMed 25611614; PubMed 17576681; PubMed 9536098.